The following is an entry in ClinVar:

ClinVar aggregate classification (germline): Benign/Likely benign. Review status: criteria provided, multiple submitters, no conflicts (2 of 4 stars). 7 submissions from 7 submitters: Benign (5); Likely benign (1). 1 of the submissions does not count toward it. Last evaluated 2024-08-21.

Conditions:
Autosomal dominant nonsyndromic hearing loss 56. Also called: Deafness, autosomal dominant 56. Identifiers: Orphanet 90635, MedGen C3810170, MONDO:0014283, OMIM 615629.
TNC-related disorder. Also called: TNC-related condition.

Allele frequency attached by ClinVar (database versions not stated): 1000 Genomes Project 30x 0.00297; 1000 Genomes Project 0.00300; gnomAD 0.00318 and 0.00347; TOPMed 0.00341; ESP Exome Variant Server 0.00369.
gnomAD v4.1: 949 of 1,613,844 alleles (0.059%); highest among the groups gnomAD compares: African/African-American, 1.1%; 3 homozygotes.

Submissions (7):

Blueprint Genetics
Classification: Likely benign. Last evaluated: 2024-08-21. Review status: criteria provided, single submitter. Criteria: ACMG Guidelines, 2015. Collection method: clinical testing. Allele origin: germline.

Genome-Nilou Lab
Classification: Benign for Autosomal dominant nonsyndromic hearing loss 56. Last evaluated: 2022-03-15. Review status: criteria provided, single submitter. Criteria: ACMG Guidelines, 2015. Collection method: clinical testing. Allele origin: germline. Affected: no.

Labcorp Genetics (formerly Invitae), Labcorp
Classification: Benign. Last evaluated: 2019-12-31. Review status: criteria provided, single submitter. Criteria: Invitae Variant Classification Sherloc (09022015). Collection method: clinical testing. Allele origin: germline.

GeneDx
Classification: Benign. Last evaluated: 2019-09-10. Review status: criteria provided, single submitter. Criteria: GeneDx Variant Classification Process June 2021. Collection method: clinical testing. Allele origin: germline. Affected: yes.

Athena Diagnostics
Classification: Benign. Last evaluated: 2018-05-24. Review status: criteria provided, single submitter. Criteria: Athena Diagnostics Criteria. Collection method: clinical testing. Allele origin: germline.

Breakthrough Genomics
Classification: Benign. Review status: criteria provided, single submitter. Criteria: ACMG Guidelines, 2015. Collection method: not provided. Allele origin: germline. Inheritance: Autosomal dominant inheritance. Affected: yes.

PreventionGenetics, part of Exact Sciences
Classification: Benign for TNC-related condition. Last evaluated: 2019-09-17. Review status: no assertion criteria provided. Collection method: clinical testing. Allele origin: germline. Not counted in ClinVar's aggregate classification.
Comment: This variant is classified as benign based on ACMG/AMP sequence variant interpretation guidelines (Richards et al. 2015 PMID: 25741868, with internal and published modifications).

NM_002160.4(TNC):c.1719C>T (p.Cys573=)

Gene: TNC (tenascin C; minus strand). Cytogenetic location: 9q33.1.
Variant type: single nucleotide variant.
Coding change: c.1719C>T on transcript NM_002160.4 (MANE Select); coding-DNA position 1719, C replaced by T.
Protein change: p.Cys573=; no amino-acid change (cysteine 573 retained).
Molecular consequence: synonymous variant.
Genome position (GRCh38, 1-based): chr9:115,086,012, G>A on the plus strand (C>T on the coding strand, the complement: TNC is on the minus strand). VCF-style: chr9-115086012-G-A. GRCh37 (hg19) VCF-style: chr9-117848291-G-A.
Identifiers: ClinVar variation 586833 (VCV000586833.13), dbSNP rs141544394, ClinGen allele CA5208744.
Genomic context (GRCh38, chr9:115,086,012, plus strand): 5'-GGAGTGCTGGCCACAGTCCAGGCCTGTGAAGCCCTCGTGGCAGATGCACTGGCCGTCCAC[G>A]CAGCGGCCCTGGCCATGACAGTCACTGGGACATCTTTGCTCCTTGCAGTCTTTGCCCATA-3'
Protein context (NP_002151.2, residues 563-583): CPSDCHGQGR[Cys573=]VDGQCICHEG